The following is an entry in ClinVar:

ClinVar aggregate classification (germline): Uncertain significance (1 of 4 stars; one submission).

Conditions:
Charcot-Marie-Tooth disease axonal type 2P. Also called: CHARCOT-MARIE-TOOTH DISEASE, AXONAL, TYPE 2G; CMT 2G; CHARCOT-MARIE-TOOTH NEUROPATHY, TYPE 2P; Charcot-Marie-Tooth Neuropathy Type 2G. Identifiers: Orphanet 300319, Orphanet 99941, MedGen C3280797, MONDO:0013753, OMIM 614436.

Allele frequency attached by ClinVar (database versions not stated): gnomAD exomes below 0.00001.

Submission:

Labcorp Genetics (formerly Invitae), Labcorp
Classification: Uncertain significance for Charcot-Marie-Tooth disease axonal type 2P. Last evaluated: 2024-06-17. Review status: criteria provided, single submitter. Criteria: Invitae Variant Classification Sherloc (09022015). Collection method: clinical testing. Allele origin: germline.
Comment: This sequence change affects the initiator methionine of the LRSAM1 mRNA. The next in-frame methionine is located at codon 22. This variant is present in population databases (no rsID available, gnomAD 0.0009%). This variant has not been reported in the literature in individuals affected with LRSAM1-related conditions. ClinVar contains an entry for this variant (Variation ID: 1404383). Experimental studies and prediction algorithms are not available or were not evaluated, and the functional significance of this variant is currently unknown. In summary, the available evidence is currently insufficient to determine the role of this variant in disease. Therefore, it has been classified as a Variant of Uncertain Significance.

NM_001005373.4(LRSAM1):c.1A>T (p.Met1Leu)

Gene: LRSAM1 (leucine rich repeat and sterile alpha motif containing 1; plus strand). Cytogenetic location: 9q33.3.
Variant type: single nucleotide variant.
Coding change: c.1A>T on transcript NM_001005373.4 (MANE Select); coding-DNA position 1, A replaced by T.
Protein change: p.Met1Leu; changes the start codon (methionine 1).
Molecular consequence: missense variant, initiator codon variant. On other transcripts: 5 prime UTR variant (1), non-coding transcript variant (2).
Genome position (GRCh38, 1-based): chr9:127,454,528, A>T. VCF-style: chr9-127454528-A-T. GRCh37 (hg19) VCF-style: chr9-130216807-A-T.
Other names: c.1A>T, p.Met1Leu (NM_001005374.4, NM_001190723.3, NM_001384142.1 and 2 more transcripts); c.-784A>T (NM_001384144.1); short protein forms M1L.
Identifiers: ClinVar variation 1404383 (VCV001404383.6), dbSNP rs1399738186, ClinGen allele CA374960269.